The following is an entry in ClinVar:

NM_000053.4(ATP7B):c.4290del (p.Ser1431fs)

Gene: ATP7B (ATPase copper transporting beta; minus strand). Cytogenetic location: 13q14.3.
Variant type: Deletion.
Coding change: c.4290del on transcript NM_000053.4 (MANE Select); coding-DNA position 4290, one base deleted (G; older notation c.4290delG).
Protein change: p.Ser1431fs; shifts the reading frame from serine 1431.
Molecular consequence: frameshift variant.
Genome position (GRCh38, 1-based): chr13:51,934,864, C deleted on the plus strand (G on the coding strand, the reverse complement: ATP7B is on the minus strand). VCF-style (leftmost placement, unchanged base first): chr13-51934863-AC-A. GRCh37 (hg19) VCF-style: chr13-52508999-AC-A.
Other names: c.3669del, p.Ser1224fs (NM_001005918.3); c.3957del, p.Ser1320fs (NM_001243182.2); c.4056del, p.Ser1353fs (NM_001330578.2); c.4038del, p.Ser1347fs (NM_001330579.2); c.4290delG (NM_000053.3); short protein forms S1320fs, S1353fs, S1347fs, S1224fs, S1431fs.
Identifiers: ClinVar variation 439429 (VCV000439429.9), dbSNP rs1555282185, ClinGen allele CA645509352.
Genomic context (GRCh38, chr13:51,934,863, plus strand): 5'-TGTCCCCATCATCGTCTGCTGCAGCGCTGTGCCGAGATGGCTTGTCGGACGTCAGGGAGG[AC>A]AGCGACACCTGGCTGACATAGCTGACCTGGTCCCATGGTGTGGCCCTGGGGGAGTCCCGC-3'

ClinVar aggregate classification (germline): Conflicting classifications of pathogenicity. Review status: criteria provided, conflicting classifications (1 of 4 stars). 2 submissions from 2 submitters: Likely pathogenic (1); Uncertain significance (1). Last evaluated 2024-03-27.

Conditions:
Wilson disease (WND). Also called: Wilson's disease. Identifiers: Orphanet 905, MedGen C0019202, MONDO:0010200, OMIM 277900. Disease mechanism: loss of function.

Submissions (2):

Natera, Inc.
Classification: Likely pathogenic for Wilson disease. Last evaluated: 2024-03-27. Review status: criteria provided, single submitter. Criteria: Natera Variant Classification Schema (03/2026). Collection method: clinical testing. Allele origin: germline.
Comment: The c.4290delG variant in ATP7B is a frameshift variant predicted to shift the reading frame beginning at codon 1431 and leads to a stop codon 3 codons downstream. This variant is expected to result in nonsense mediated decay, truncation, or a dysfunctional protein product. This variant is rare in the general population with a frequency below the threshold expected for the associated phenotype(s). Given the available evidence, this variant is classified as Likely Pathogenic.

ARUP Laboratories, Molecular Genetics and Genomics, ARUP Laboratories
Classification: Uncertain significance. Last evaluated: 2016-12-06. Review status: criteria provided, single submitter. Criteria: ARUP Molecular Germline Variant Investigation Process. Collection method: clinical testing. Allele origin: germline.